The following is an entry in ClinVar:

ClinVar aggregate classification (germline): Uncertain significance (1 of 4 stars; one submission).

Conditions:
Inborn genetic diseases. Identifiers: MedGen C0950123, MeSH D030342.

Submission:

Ambry Genetics
Classification: Uncertain significance for Inborn genetic diseases. Last evaluated: 2025-05-15. Review status: criteria provided, single submitter. Criteria: Ambry Variant Classification Scheme 2023. Collection method: clinical testing. Allele origin: germline.
Comment: The p.V253A variant (also known as c.758T>C), located in coding exon 7 of the CEP57 gene, results from a T to C substitution at nucleotide position 758. The valine at codon 253 is replaced by alanine, an amino acid with similar properties. This amino acid position is conserved. In addition, this alteration is predicted to be tolerated by in silico analysis. Based on the available evidence, the clinical significance of this variant remains unclear.

NM_014679.5(CEP57):c.758T>C (p.Val253Ala)

Gene: CEP57 (centrosomal protein 57; plus strand). Cytogenetic location: 11q21.
Variant type: single nucleotide variant.
Coding change: c.758T>C on transcript NM_014679.5 (MANE Select); coding-DNA position 758, T replaced by C.
Protein change: p.Val253Ala; replaces valine 253 with alanine.
Molecular consequence: missense variant.
Genome position (GRCh38, 1-based): chr11:95,821,929, T>C. VCF-style: chr11-95821929-T-C. GRCh37 (hg19) VCF-style: chr11-95555093-T-C.
Other names: c.731T>C, p.Val244Ala (NM_001243776.2); c.758T>C, p.Val253Ala (NM_001243777.2); c.677T>C, p.Val226Ala (NM_001363604.2); short protein forms V226A, V253A, V244A.
Identifiers: ClinVar variation 4001045 (VCV004001045.1).
Genomic context (GRCh38, chr11:95,821,929, plus strand): 5'-AGTTGCAGACTGGTCTAGAAACAAATAGACTTATCTTTGAAGATAAGGCAACTCCGTGTG[T>C]TCCCAATGCAAGAAGAATTAAAAAAAAGAAGTCAAAACCACCAGAAAAGGTGTGAAGACA-3'
Protein context (NP_055494.2, residues 243-263): LIFEDKATPC[Val253Ala]PNARRIKKKK